The following is an entry in ClinVar:

NM_003001.5(SDHC):c.316C>G (p.Leu106Val)

Gene: SDHC (succinate dehydrogenase complex subunit C; plus strand). Cytogenetic location: 1q23.3.
Variant type: single nucleotide variant.
Coding change: c.316C>G on transcript NM_003001.5 (MANE Select); coding-DNA position 316, C replaced by G.
Protein change: p.Leu106Val; replaces leucine 106 with valine.
Molecular consequence: missense variant. On other transcripts: non-coding transcript variant (1), intron variant (3).
Genome position (GRCh38, 1-based): chr1:161,356,751, C>G. VCF-style: chr1-161356751-C-G. GRCh37 (hg19) VCF-style: chr1-161326541-C-G.
Other names: c.214C>G, p.Leu72Val (NM_001035512.3); c.157C>G, p.Leu53Val (NM_001035513.3); c.436C>G, p.Leu146Val (NM_001407115.1); c.259C>G, p.Leu87Val (NM_001407116.1); c.253C>G, p.Leu85Val (NM_001407117.1); c.208C>G, p.Leu70Val (NM_001407118.1); c.205C>G, p.Leu69Val (NM_001407119.1, NM_001407120.1); c.242-5578C>G (NM_001035511.3); and 2 more; short protein forms L53V, L106V, L70V, L69V, L72V, L146V, L85V, L87V.
Identifiers: ClinVar variation 2176242 (VCV002176242.5), dbSNP rs2526536672, ClinGen allele CA343456465.

ClinVar aggregate classification (germline): Uncertain significance. Review status: criteria provided, multiple submitters, no conflicts (2 of 4 stars). 2 submissions from 2 submitters: Uncertain significance (2). Last evaluated 2024-01-31.

Conditions:
Hereditary cancer-predisposing syndrome. Also called: Tumor predisposition; Hereditary Cancer Syndrome; Hereditary neoplastic syndrome; Neoplastic Syndromes, Hereditary. Identifiers: Orphanet 140162, MedGen C0027672, MeSH D009386, MONDO:0015356.
Gastrointestinal stromal tumor. Also called: Gastrointestinal stroma tumor; Gastrointestinal stromal tumor, somatic. Identifiers: Orphanet 44890, MedGen C0238198, MeSH D046152, MONDO:0011719, OMIM 606764, HP:0100723.
Pheochromocytoma/paraganglioma syndrome 3. Also called: GLOMUS TUMORS, FAMILIAL, 3; Paragangliomas 3; SDHC-Related Hereditary Paraganglioma-Pheochromocytoma Syndrome (Paragangliomas 3); SDHC-Related Hereditary Paraganglioma-Pheochromocytoma Syndrome. Identifiers: Orphanet 29072, MedGen C1854336, MONDO:0011544, OMIM 605373.

Submissions (2):

Ambry Genetics
Classification: Uncertain significance for Hereditary cancer-predisposing syndrome. Last evaluated: 2024-01-31. Review status: criteria provided, single submitter. Criteria: Ambry Variant Classification Scheme 2023. Collection method: clinical testing. Allele origin: germline.
Comment: The p.L106V variant (also known as c.316C>G), located in coding exon 5 of the SDHC gene, results from a C to G substitution at nucleotide position 316. The leucine at codon 106 is replaced by valine, an amino acid with highly similar properties. This amino acid position is highly conserved in available vertebrate species. In addition, the in silico prediction for this alteration is inconclusive. Based on the available evidence, the clinical significance of this alteration remains unclear.

Labcorp Genetics (formerly Invitae), Labcorp
Classification: Uncertain significance for Pheochromocytoma/paraganglioma syndrome 3; Gastrointestinal stromal tumor. Last evaluated: 2023-09-11. Review status: criteria provided, single submitter. Criteria: Invitae Variant Classification Sherloc (09022015). Collection method: clinical testing. Allele origin: germline.
Comment: An algorithm developed to predict the effect of missense changes on protein structure and function (PolyPhen-2) suggests that this variant is likely to be disruptive. ClinVar contains an entry for this variant (Variation ID: 2176242). This variant has not been reported in the literature in individuals affected with SDHC-related conditions. This variant is not present in population databases (gnomAD no frequency). This sequence change replaces leucine, which is neutral and non-polar, with valine, which is neutral and non-polar, at codon 106 of the SDHC protein (p.Leu106Val). In summary, the available evidence is currently insufficient to determine the role of this variant in disease. Therefore, it has been classified as a Variant of Uncertain Significance.